The following is an entry in ClinVar:

ClinVar aggregate classification (germline): Uncertain significance. Review status: criteria provided, multiple submitters, no conflicts (2 of 4 stars). 2 submissions from 2 submitters: Uncertain significance (2). Last evaluated 2021-03-01.

Conditions:
Non-obstructive azoospermia. Identifiers: MedGen C4021107, HP:0011961.

Allele frequency attached by ClinVar (database versions not stated): gnomAD 0.00004 and 0.00005; TOPMed 0.00008; gnomAD exomes 0.00012 and 0.00026; ExAC 0.00026; 1000 Genomes Project 30x 0.00047; 1000 Genomes Project 0.00060.
gnomAD v4.1: 197 of 1,614,086 alleles (0.012%); highest among the groups gnomAD compares: Middle Eastern, 0.13%; 3 homozygotes.

Submissions (2):

Institute of Reproductive Genetics, University of Münster
Classification: Uncertain significance for Non-obstructive azoospermia. Last evaluated: 2021-03-01. Review status: criteria provided, single submitter. Criteria: ACMG Guidelines, 2015. Collection method: research. Allele origin: unknown. Inheritance: Autosomal unknown. Affected: yes. Observed: 1 variant allele, 1 heterozygote.
Comment: PM1, PP3, BS2

Breakthrough Genomics
Classification: Uncertain significance. Review status: criteria provided, single submitter. Criteria: ACMG Guidelines, 2015. Collection method: not provided. Allele origin: germline. Inheritance: Autosomal dominant inheritance. Affected: yes.

NM_001039111.3(TRIM71):c.1549C>T (p.Arg517Cys)

Gene: TRIM71 (tripartite motif containing 71; plus strand). Cytogenetic location: 3p22.3.
Variant type: single nucleotide variant.
Coding change: c.1549C>T on transcript NM_001039111.3 (MANE Select); coding-DNA position 1549, C replaced by T.
Protein change: p.Arg517Cys; replaces arginine 517 with cysteine.
Molecular consequence: missense variant.
Genome position (GRCh38, 1-based): chr3:32,890,753, C>T. VCF-style: chr3-32890753-C-T. GRCh37 (hg19) VCF-style: chr3-32932245-C-T.
Other names: short protein forms R517C.
Identifiers: ClinVar variation 996347 (VCV000996347.4), dbSNP rs558049901, ClinGen allele CA2298882.